The following is an entry in ClinVar:

ClinVar aggregate classification (germline): Conflicting classifications of pathogenicity. Review status: criteria provided, conflicting classifications (1 of 4 stars). 6 submissions from 6 submitters: Likely pathogenic (1); Uncertain significance (4). 1 of the submissions does not count toward it. Last evaluated 2026-08-06.

Conditions:
Severe combined immunodeficiency, autosomal recessive, T cell-negative, B cell-negative, NK cell-positive. Also called: Severe combined immunodeficiency due to complete RAG1/2 deficiency; SCID, AR, T-cell negative, B-cell negative, NK cell-positive; SCID, T CELL-NEGATIVE, B CELL-NEGATIVE, NK CELL-POSITIVE. Identifiers: Orphanet 331206, MedGen C1832322, MONDO:0011086, OMIM 601457.
Combined immunodeficiency with skin granulomas. Identifiers: Orphanet 157949, MedGen C2673536, MONDO:0009306, OMIM 233650.
Microcephaly. Also called: Microcephaly (disease). Identifiers: MedGen C4551563, MONDO:0001149, HP:0000252.
Inherited Immunodeficiency Diseases. Identifiers: MedGen C5197805, MeSH D000081207.

Allele frequency attached by ClinVar (database versions not stated): gnomAD 0.00002; gnomAD exomes 0.00002 and 0.00003; ExAC 0.00003; TOPMed 0.00004; ESP Exome Variant Server 0.00015.
gnomAD v4.1: 31 of 1,613,948 alleles (0.0019%); highest among the groups gnomAD compares: East Asian, 0.0067%; no homozygotes.

Submissions (6):

OLLIN Analises Genomicas, OLLIN
Classification: Uncertain significance for Severe combined immunodeficiency, autosomal recessive, T cell-negative, B cell-negative, NK cell-positive. Last evaluated: 2026-08-06. Review status: criteria provided, single submitter. Criteria: ACMG Guidelines 2015 PMID 25741868. Collection method: clinical testing. Allele origin: germline.
Comment: This missense variant, located in exon 2 (of 2), has been reported in ClinVar (accession VCV000813566.4) and in gnomAD with an allele frequency of 0.0019%. However, to our knowledge, it has not been reported in the scientific literature. In silico analysis is inconclusive regarding the impact of this variant. According to the currently available evidence, this variant has been classified as uncertain significance (PM2_P).

Dasa
Classification: Uncertain significance. Last evaluated: 2025-02-20. Review status: criteria provided, single submitter. Criteria: DASA Assertion Criteria. Collection method: clinical testing. Allele origin: germline.
Comment: NM_000448.3(RAG1):c.334C>T (p.Arg112Cys) is a missense variant that results in the substitution of arginine with cysteine. This variant is rare in population databases. The currently available literature and clinical evidence are not sufficient to establish a definitive association between this variant and the reported condition. Therefore, this variant is classified as a variant of uncertain significance.

Blueprint Genetics
Classification: Uncertain significance. Last evaluated: 2024-03-26. Review status: criteria provided, single submitter. Criteria: ACMG Guidelines, 2015. Collection method: clinical testing. Allele origin: germline.

Department of Pathology and Laboratory Medicine, Sinai Health System
Classification: Uncertain significance for Severe combined immunodeficiency, autosomal recessive, T cell-negative, B cell-negative, NK cell-positive; Combined immunodeficiency with skin granulomas. Last evaluated: 2021-10-18. Review status: criteria provided, single submitter. Criteria: ACMG Guidelines, 2015. Collection method: research. Allele origin: germline.

NIHR Bioresource Rare Diseases, University of Cambridge
Classification: Likely pathogenic for Inherited Immunodeficiency Diseases. Last evaluated: 2019-01-01. Review status: criteria provided, single submitter. Criteria: ACMG Guidelines, 2015. Collection method: research. Allele origin: germline. Affected: yes. Observed: 1 heterozygote.

Department of Pediatrics, Samsung Medical Center, Samsung Medical Center
Classification: Uncertain significance for Microcephaly. Review status: no assertion criteria provided. Criteria: ACMG Guidelines, 2015. Collection method: research. Allele origin: germline. Affected: yes. Not counted in ClinVar's aggregate classification.

NM_000448.3(RAG1):c.334C>T (p.Arg112Cys)

Gene: RAG1 (recombination activating 1; plus strand). Cytogenetic location: 11p12.
Variant type: single nucleotide variant.
Coding change: c.334C>T on transcript NM_000448.3 (MANE Select); coding-DNA position 334, C replaced by T.
Protein change: p.Arg112Cys; replaces arginine 112 with cysteine.
Molecular consequence: missense variant.
Genome position (GRCh38, 1-based): chr11:36,573,638, C>T. VCF-style: chr11-36573638-C-T. GRCh37 (hg19) VCF-style: chr11-36595188-C-T.
Other names: c.334C>T, p.Arg112Cys (NM_001377277.1, NM_001377278.1, NM_001377279.1 and 1 more transcripts); short protein forms R112C.
Identifiers: ClinVar variation 813566 (VCV000813566.7), dbSNP rs146457887, ClinGen allele CA5949965.